The following is an entry in ClinVar:

ClinVar aggregate classification (germline): Uncertain significance (1 of 4 stars; one submission).

Submission:

Labcorp Genetics (formerly Invitae), Labcorp
Classification: Uncertain significance. Last evaluated: 2023-08-22. Review status: criteria provided, single submitter. Criteria: Invitae Variant Classification Sherloc (09022015). Collection method: clinical testing. Allele origin: germline.
Comment: This variant is not present in population databases (gnomAD no frequency). This variant has not been reported in the literature in individuals affected with CTNNA1-related conditions. Advanced modeling of protein sequence and biophysical properties (such as structural, functional, and spatial information, amino acid conservation, physicochemical variation, residue mobility, and thermodynamic stability) has been performed at Invitae for this missense variant, however the output from this modeling did not meet the statistical confidence thresholds required to predict the impact of this variant on CTNNA1 protein function. In summary, the available evidence is currently insufficient to determine the role of this variant in disease. Therefore, it has been classified as a Variant of Uncertain Significance. This sequence change replaces alanine, which is neutral and non-polar, with glutamic acid, which is acidic and polar, at codon 191 of the CTNNA1 protein (p.Ala191Glu).

NM_001903.5(CTNNA1):c.572C>A (p.Ala191Glu)

Gene: CTNNA1 (catenin alpha 1; plus strand). Cytogenetic location: 5q31.2.
Variant type: single nucleotide variant.
Coding change: c.572C>A on transcript NM_001903.5 (MANE Select); coding-DNA position 572, C replaced by A.
Protein change: p.Ala191Glu; replaces alanine 191 with glutamic acid.
Molecular consequence: missense variant.
Genome position (GRCh38, 1-based): chr5:138,812,286, C>A. VCF-style: chr5-138812286-C-A. GRCh37 (hg19) VCF-style: chr5-138147975-C-A.
Other names: c.203C>A, p.Ala68Glu (NM_001290310.3); c.572C>A, p.Ala191Glu (NM_001323982.2, NM_001323983.1, NM_001323984.2 and 3 more transcripts); c.263C>A, p.Ala88Glu (NM_001290309.3); short protein forms A191E, A68E, A88E.
Identifiers: ClinVar variation 2754395 (VCV002754395.3), dbSNP rs2149736846, ClinGen allele CA361125618.